The following is an entry in ClinVar:

ClinVar aggregate classification (germline): Pathogenic (1 of 4 stars; one submission).

Conditions:
Duchenne muscular dystrophy (DMD). Also called: MUSCULAR DYSTROPHY, PSEUDOHYPERTROPHIC PROGRESSIVE, DUCHENNE TYPE; Duchenne Muscular Dystrophy (DMD). Identifiers: Orphanet 98896, MedGen C0013264, MONDO:0010679, OMIM 310200.

Submission:

Labcorp Genetics (formerly Invitae), Labcorp
Classification: Pathogenic for Duchenne muscular dystrophy. Last evaluated: 2016-12-21. Review status: criteria provided, single submitter. Criteria: Invitae Variant Classification Sherloc (09022015). Collection method: clinical testing. Allele origin: germline.
Comment: This variant is a gross deletion of the genomic region encompassing exon 52 of the DMD gene. This creates a premature translational stop signal and is expected to result in an absent or disrupted protein product. Loss-of-function variants in DMD are known to be pathogenic. This particular variant has been reported in the literature in individuals affected with both Duchenne muscular dystrophy and Becker muscular dystrophy (PMID: 22510846, 23914114, 25244321, 26081009). For these reasons, this variant has been classified as Pathogenic.

NC_000023.11:g.(?_31729631)_(31729748_?)del

Gene: DMD (dystrophin; minus strand). Cytogenetic location: Xp21.1.
Variant type: Deletion.
Identifiers: ClinVar variation 417489 (VCV000417489.1).